The following is an entry in ClinVar:

ClinVar aggregate classification (germline): Benign (0 of 4 stars; one submission).

Conditions:
LRP1B-related disorder. Also called: LRP1B-related condition.

Allele frequency attached by ClinVar (database versions not stated): 1000 Genomes Project 0.10543; 1000 Genomes Project 30x 0.10634; ExAC 0.11226; gnomAD exomes 0.12001; TOPMed 0.13517; gnomAD 0.13638; ESP Exome Variant Server 0.15111.
gnomAD v4.1: 195,880 of 1,611,320 alleles (12%); highest among the groups gnomAD compares: African/African-American, 19%; 12,799 homozygotes.

Submission:

PreventionGenetics, part of Exact Sciences
Classification: Benign for LRP1B-related condition. Last evaluated: 2019-10-22. Review status: no assertion criteria provided. Collection method: clinical testing. Allele origin: germline.
Comment: This variant is classified as benign based on ACMG/AMP sequence variant interpretation guidelines (Richards et al. 2015 PMID: 25741868, with internal and published modifications).

NM_018557.3(LRP1B):c.10650G>A (p.Glu3550=)

Gene: LRP1B (LDL receptor related protein 1B; minus strand). Cytogenetic location: 2q22.1.
Variant type: single nucleotide variant.
Coding change: c.10650G>A on transcript NM_018557.3 (MANE Select); coding-DNA position 10650, G replaced by A.
Protein change: p.Glu3550=; no amino-acid change (glutamic acid 3550 retained).
Molecular consequence: synonymous variant.
Genome position (GRCh38, 1-based): chr2:140,373,126, C>T on the plus strand (G>A on the coding strand, the complement: LRP1B is on the minus strand). VCF-style: chr2-140373126-C-T. GRCh37 (hg19) VCF-style: chr2-141130695-C-T.
Identifiers: ClinVar variation 3059354 (VCV003059354.2), dbSNP rs16843864, ClinGen allele CA1893327.